The following is an entry in ClinVar:

NM_001079843.3(CASZ1):c.2988G>A (p.Ala996=)

Gene: CASZ1 (castor zinc finger 1; minus strand). Cytogenetic location: 1p36.22.
Variant type: single nucleotide variant.
Coding change: c.2988G>A on transcript NM_001079843.3 (MANE Select); coding-DNA position 2988, G replaced by A.
Protein change: p.Ala996=; no amino-acid change (alanine 996 retained).
Molecular consequence: synonymous variant.
Genome position (GRCh38, 1-based): chr1:10,649,330, C>T on the plus strand (G>A on the coding strand, the complement: CASZ1 is on the minus strand). VCF-style: chr1-10649330-C-T. GRCh37 (hg19) VCF-style: chr1-10709387-C-T.
Other names: c.2988G>A, p.Ala996= (NM_017766.5).
Identifiers: ClinVar variation 2154848 (VCV002154848.9), dbSNP rs150917748, ClinGen allele CA584647.

ClinVar aggregate classification (germline): Likely benign. Review status: criteria provided, multiple submitters, no conflicts (2 of 4 stars). 3 submissions from 3 submitters: Likely benign (3). Last evaluated 2026-09-01.

Allele frequency attached by ClinVar (database versions not stated): gnomAD 0.00017; ExAC 0.00024; TOPMed 0.00024; ESP Exome Variant Server 0.00039.
gnomAD v4.1: 188 of 1,596,834 alleles (0.012%); highest among the groups gnomAD compares: East Asian, 0.023%; no homozygotes.

Submissions (3):

CeGaT Center for Human Genetics Tuebingen
Classification: Likely benign. Last evaluated: 2026-09-01. Review status: criteria provided, single submitter. Criteria: CeGaT Center For Human Genetics Tuebingen Variant Classification Criteria Version 2. Collection method: clinical testing. Allele origin: germline. Affected: yes. Observed: 2 variant alleles.
Comment: CASZ1: BP4, BP7

Labcorp Genetics (formerly Invitae), Labcorp
Classification: Likely benign. Last evaluated: 2025-04-18. Review status: criteria provided, single submitter. Criteria: Invitae Variant Classification Sherloc (09022015). Collection method: clinical testing. Allele origin: germline.

Blueprint Genetics
Classification: Likely benign. Last evaluated: 2024-11-13. Review status: criteria provided, single submitter. Criteria: ACMG Guidelines, 2015. Collection method: clinical testing. Allele origin: germline.